The following is an entry in ClinVar:

ClinVar aggregate classification (germline): Conflicting classifications of pathogenicity. Review status: criteria provided, conflicting classifications (1 of 4 stars). 2 submissions from 2 submitters: Uncertain significance (1); Likely benign (1). Last evaluated 2025-05-01.

Allele frequency attached by ClinVar (database versions not stated): TOPMed below 0.00001; gnomAD 0.00001; gnomAD exomes 0.00002; ExAC 0.00004.
gnomAD v4.1: 25 of 1,614,032 alleles (0.0015%); highest among the groups gnomAD compares: Admixed American, 0.0033%; no homozygotes.

Submissions (2):

Ambry Genetics
Classification: Likely benign. Last evaluated: 2025-05-01. Review status: criteria provided, single submitter. Criteria: Ambry Variant Classification Scheme 2023. Collection method: clinical testing. Allele origin: germline.

Labcorp Genetics (formerly Invitae), Labcorp
Classification: Uncertain significance. Last evaluated: 2022-10-24. Review status: criteria provided, single submitter. Criteria: Invitae Variant Classification Sherloc (09022015). Collection method: clinical testing. Allele origin: germline.
Comment: In summary, the available evidence is currently insufficient to determine the role of this variant in disease. Therefore, it has been classified as a Variant of Uncertain Significance. Algorithms developed to predict the effect of missense changes on protein structure and function output the following: SIFT: "Tolerated"; PolyPhen-2: "Benign"; Align-GVGD: "Class C0". The valine amino acid residue is found in multiple mammalian species, which suggests that this missense change does not adversely affect protein function. ClinVar contains an entry for this variant (Variation ID: 1405434). This variant has not been reported in the literature in individuals affected with CLCC1-related conditions. This variant is present in population databases (rs760196687, gnomAD 0.007%). This sequence change replaces alanine, which is neutral and non-polar, with valine, which is neutral and non-polar, at codon 512 of the CLCC1 protein (p.Ala512Val).

NM_001377458.1(CLCC1):c.1535C>T (p.Ala512Val)

Gene: CLCC1 (chloride channel CLIC like 1; minus strand). Cytogenetic location: 1p13.3.
Variant type: single nucleotide variant.
Coding change: c.1535C>T on transcript NM_001377458.1 (MANE Select); coding-DNA position 1535, C replaced by T.
Protein change: p.Ala512Val; replaces alanine 512 with valine.
Molecular consequence: missense variant. On other transcripts: non-coding transcript variant (1).
Genome position (GRCh38, 1-based): chr1:108,934,791, G>A on the plus strand (C>T on the coding strand, the complement: CLCC1 is on the minus strand). VCF-style: chr1-108934791-G-A. GRCh37 (hg19) VCF-style: chr1-109477413-G-A.
Other names: c.1535C>T, p.Ala512Val (NM_001048210.3, NM_001377459.1, NM_001377460.1 and 8 more transcripts); c.1172C>T, p.Ala391Val (NM_001278202.2); c.980C>T, p.Ala327Val (NM_001278203.1); c.1433C>T, p.Ala478Val (NM_001377469.1); c.1244C>T, p.Ala415Val (NM_001377470.1); c.1385C>T, p.Ala462Val (NM_015127.5); c.1535C>T (NM_001048210.1); short protein forms A327V, A391V, A415V, A462V, A478V, A512V.
Identifiers: ClinVar variation 1405434 (VCV001405434.6), dbSNP rs760196687, ClinGen allele CA983305.